The following continues an entry in ClinVar:

NM_000518.5(HBB):c.380T>G (p.Val127Gly)

ClinVar aggregate classification (germline): Uncertain significance. Uncertain significance (1).

Submissions 6 to 10 of 10:

Labcorp Genetics (formerly Invitae), Labcorp
Classification: Pathogenic. Last evaluated: 2023-01-16. Review status: criteria provided, single submitter. Criteria: Invitae Variant Classification Sherloc (09022015). Collection method: clinical testing. Allele origin: germline. Not counted in ClinVar's aggregate classification.
Comment: ClinVar contains an entry for this variant (Variation ID: 15483). This variant is also known as Hb Dhonburi, Hb Neapolis and p.Val126Gly. This missense change has been observed in individual(s) with thalassemia intermedia (PMID: 1463768, 17007829). In at least one individual the data is consistent with being in trans (on the opposite chromosome) from a pathogenic variant. This variant is not present in population databases (gnomAD no frequency). This sequence change replaces valine, which is neutral and non-polar, with glycine, which is neutral and non-polar, at codon 127 of the HBB protein (p.Val127Gly). For these reasons, this variant has been classified as Pathogenic. Algorithms developed to predict the effect of missense changes on protein structure and function (SIFT, PolyPhen-2, Align-GVGD) all suggest that this variant is likely to be tolerated.

Juno Genomics, Hangzhou Juno Genomics, Inc
Classification: Likely pathogenic for Beta-thalassemia HBB/LCRB. Review status: criteria provided, single submitter. Criteria: ACMG Guidelines, 2015. Collection method: clinical testing. Allele origin: germline. Not counted in ClinVar's aggregate classification.
Comment: Absent from controls (or at extremely low frequency if recessive) in Genome Aggregation Database.;Multiple lines of computational evidence support a deleterious effect on the gene or gene product.;For recessive disorders, detected in trans with a pathogenic variant.;Patient's phenotype or family history is highly specific for a disease with a single genetic etiology.;Co-segregation with disease in multiple affected family members.

The ITHANET community portal, The Cyprus Institute of Neurology and Genetics
Classification: Pathogenic for beta Thalassemia. Last evaluated: 2019-11-25. Review status: no assertion criteria provided. Collection method: curation. Allele origin: germline. Not counted in ClinVar's aggregate classification.

Counsyl
Classification: Pathogenic for Beta-thalassemia HBB/LCRB. Last evaluated: 2018-04-18. Review status: no assertion criteria provided. Collection method: clinical testing. Allele origin: unknown. Not counted in ClinVar's aggregate classification.

OMIM
Classification: Pathogenic for HEMOGLOBIN DHONBURI. Last evaluated: 2004-01-01. Review status: no assertion criteria provided. Collection method: literature only. Allele origin: germline. Not counted in ClinVar's aggregate classification.

Literature cited by the submitters: PubMed 17007829 (cited by 3 submitters); PubMed 7530406 (cited by 3 submitters); PubMed 1463768 (cited by 6 submitters); PubMed 17606453 (cited by 3 submitters); PubMed 9028819 (cited by 4 submitters); PubMed 1954392 (cited by 4 submitters); PubMed 2399911 (cited by 4 submitters); PubMed 19460936 (cited by Women's Health and Genetics/Laboratory Corporation of America, LabCorp and Quest Diagnostics Nichols Institute San Juan Capistrano); PubMed 11532628 (cited by Women's Health and Genetics/Laboratory Corporation of America, LabCorp); PubMed 15658193 (cited by Women's Health and Genetics/Laboratory Corporation of America, LabCorp and OMIM); PubMed 28125089 (cited by Women's Health and Genetics/Laboratory Corporation of America, LabCorp and Quest Diagnostics Nichols Institute San Juan Capistrano); PubMed 31240559 (cited by Women's Health and Genetics/Laboratory Corporation of America, LabCorp and Quest Diagnostics Nichols Institute San Juan Capistrano); PubMed 31589614 (cited by Women's Health and Genetics/Laboratory Corporation of America, LabCorp); PubMed 35543019 (cited by Quest Diagnostics Nichols Institute San Juan Capistrano); PubMed 17994378 (cited by Counsyl); PubMed 23525874 (cited by Counsyl).